The following is an entry in ClinVar:

NM_032228.6(FAR1):c.1077C>G (p.Ala359=)

Gene: FAR1 (fatty acyl-CoA reductase 1; plus strand). Cytogenetic location: 11p15.3.
Variant type: single nucleotide variant.
Coding change: c.1077C>G on transcript NM_032228.6 (MANE Select); coding-DNA position 1077, C replaced by G.
Protein change: p.Ala359=; no amino-acid change (alanine 359 retained).
Molecular consequence: synonymous variant.
Genome position (GRCh38, 1-based): chr11:13,714,630, C>G. VCF-style: chr11-13714630-C-G. GRCh37 (hg19) VCF-style: chr11-13736177-C-G.
Identifiers: ClinVar variation 757666 (VCV000757666.14), dbSNP rs146816221, ClinGen allele CA5893455.

ClinVar aggregate classification (germline): Conflicting classifications of pathogenicity. Review status: criteria provided, conflicting classifications (1 of 4 stars). 4 submissions from 4 submitters: Uncertain significance (1); Likely benign (2). 1 of the submissions does not count toward it. Last evaluated 2026-02-02.

Conditions:
FAR1-related disorder. Also called: FAR1-related condition.

Allele frequency attached by ClinVar (database versions not stated): ExAC 0.00022; gnomAD exomes 0.00024 and 0.00067; TOPMed 0.00032; gnomAD 0.00040 and 0.00044; ESP Exome Variant Server 0.00046.
gnomAD v4.1: 1,020 of 1,612,902 alleles (0.063%); highest among the groups gnomAD compares: Non-Finnish European, 0.083%; no homozygotes.

Submissions (4):

Labcorp Genetics (formerly Invitae), Labcorp
Classification: Likely benign. Last evaluated: 2026-02-02. Review status: criteria provided, single submitter. Criteria: Invitae Variant Classification Sherloc (09022015). Collection method: clinical testing. Allele origin: germline.

Blueprint Genetics
Classification: Likely benign. Last evaluated: 2024-09-13. Review status: criteria provided, single submitter. Criteria: ACMG Guidelines, 2015. Collection method: clinical testing. Allele origin: germline.

Revvity Omics, Revvity
Classification: Uncertain significance. Last evaluated: 2019-05-28. Review status: criteria provided, single submitter. Criteria: ACMG Guidelines, 2015. Collection method: clinical testing. Allele origin: germline.

PreventionGenetics, part of Exact Sciences
Classification: Likely benign for FAR1-related condition. Last evaluated: 2019-10-28. Review status: no assertion criteria provided. Collection method: clinical testing. Allele origin: germline. Not counted in ClinVar's aggregate classification.
Comment: This variant is classified as likely benign based on ACMG/AMP sequence variant interpretation guidelines (Richards et al. 2015 PMID: 25741868, with internal and published modifications).